The following is an entry in ClinVar:

NM_000821.7(GGCX):c.2104T>G (p.Ser702Ala)

Gene: GGCX (gamma-glutamyl carboxylase; minus strand). Cytogenetic location: 2p11.2.
Variant type: single nucleotide variant.
Coding change: c.2104T>G on transcript NM_000821.7 (MANE Select); coding-DNA position 2104, T replaced by G.
Protein change: p.Ser702Ala; replaces serine 702 with alanine.
Molecular consequence: missense variant.
Genome position (GRCh38, 1-based): chr2:85,550,107, A>C on the plus strand (T>G on the coding strand, the complement: GGCX is on the minus strand). VCF-style: chr2-85550107-A-C. GRCh37 (hg19) VCF-style: chr2-85777230-A-C.
Other names: c.1933T>G, p.Ser645Ala (NM_001142269.4); short protein forms S702A, S645A.
Identifiers: ClinVar variation 2329673 (VCV002329673.3), dbSNP rs1691865304, ClinGen allele CA347481609.

ClinVar aggregate classification (germline): Uncertain significance. Review status: criteria provided, multiple submitters, no conflicts (2 of 4 stars). 2 submissions from 2 submitters: Uncertain significance (2). Last evaluated 2025-10-15.

Conditions:
Inborn genetic diseases. Identifiers: MedGen C0950123, MeSH D030342.

Allele frequency attached by ClinVar (database versions not stated): gnomAD exomes below 0.00001; TOPMed below 0.00001; gnomAD 0.00001.
gnomAD v4.1: 2 of 1,613,452 alleles (0.00012%); highest among the groups gnomAD compares: African/African-American, 0.0027%; no homozygotes.

Submissions (2):

Labcorp Genetics (formerly Invitae), Labcorp
Classification: Uncertain significance. Last evaluated: 2025-10-15. Review status: criteria provided, single submitter. Criteria: Invitae Variant Classification Sherloc (09022015). Collection method: clinical testing. Allele origin: germline.
Comment: This sequence change replaces serine, which is neutral and polar, with alanine, which is neutral and non-polar, at codon 702 of the GGCX protein (p.Ser702Ala). This variant is not present in population databases (gnomAD no frequency). This variant has not been reported in the literature in individuals affected with GGCX-related conditions. ClinVar contains an entry for this variant (Variation ID: 2329673). Invitae Evidence Modeling of protein sequence and biophysical properties (such as structural, functional, and spatial information, amino acid conservation, physicochemical variation, residue mobility, and thermodynamic stability) indicates that this missense variant is not expected to disrupt GGCX protein function with a negative predictive value of 80%. In summary, the available evidence is currently insufficient to determine the role of this variant in disease. Therefore, it has been classified as a Variant of Uncertain Significance.

Ambry Genetics
Classification: Uncertain significance for Inborn genetic diseases. Last evaluated: 2022-11-30. Review status: criteria provided, single submitter. Criteria: Ambry Variant Classification Scheme 2023. Collection method: clinical testing. Allele origin: germline.